The following is an entry in ClinVar:

ClinVar aggregate classification (germline): Uncertain significance. Review status: criteria provided, multiple submitters, no conflicts (2 of 4 stars). 2 submissions from 2 submitters: Uncertain significance (2). Last evaluated 2025-05-20.

Allele frequency attached by ClinVar (database versions not stated): gnomAD 0.00004; TOPMed 0.00004; gnomAD exomes 0.00005 and 0.00006; ExAC 0.00009; ESP Exome Variant Server 0.00015; 1000 Genomes Project 30x 0.00016; 1000 Genomes Project 0.00040.
gnomAD v4.1: 80 of 1,606,948 alleles (0.005%); highest among the groups gnomAD compares: Admixed American, 0.012%; no homozygotes.

Submissions (2):

Ambry Genetics
Classification: Uncertain significance. Last evaluated: 2025-05-20. Review status: criteria provided, single submitter. Criteria: Ambry Variant Classification Scheme 2023. Collection method: clinical testing. Allele origin: germline.

Labcorp Genetics (formerly Invitae), Labcorp
Classification: Uncertain significance. Last evaluated: 2024-07-01. Review status: criteria provided, single submitter. Criteria: Invitae Variant Classification Sherloc (09022015). Collection method: clinical testing. Allele origin: germline.
Comment: This sequence change replaces arginine, which is basic and polar, with cysteine, which is neutral and slightly polar, at codon 222 of the FGFRL1 protein (p.Arg222Cys). This variant is present in population databases (rs148556821, gnomAD 0.02%). This variant has not been reported in the literature in individuals affected with FGFRL1-related conditions. ClinVar contains an entry for this variant (Variation ID: 1373170). An algorithm developed to predict the effect of missense changes on protein structure and function (PolyPhen-2) suggests that this variant is likely to be disruptive. In summary, the available evidence is currently insufficient to determine the role of this variant in disease. Therefore, it has been classified as a Variant of Uncertain Significance.

NM_001004356.3(FGFRL1):c.664C>T (p.Arg222Cys)

Gene: FGFRL1 (fibroblast growth factor receptor like 1; plus strand). Cytogenetic location: 4p16.3.
Variant type: single nucleotide variant.
Coding change: c.664C>T on transcript NM_001004356.3 (MANE Select); coding-DNA position 664, C replaced by T.
Protein change: p.Arg222Cys; replaces arginine 222 with cysteine.
Molecular consequence: missense variant.
Genome position (GRCh38, 1-based): chr4:1,024,047, C>T. VCF-style: chr4-1024047-C-T. GRCh37 (hg19) VCF-style: chr4-1017835-C-T.
Other names: c.664C>T (NM_001004356.2); c.664C>T, p.Arg222Cys (NM_001004358.1, NM_001370296.1, NM_021923.3); short protein forms R222C.
Identifiers: ClinVar variation 1373170 (VCV001373170.8), dbSNP rs148556821, ClinGen allele CA2802790.
Genomic context (GRCh38, chr4:1,024,047, plus strand): 5'-AAGAAGTGGACACTGAGCCTGAAGAACCTGCGGCCGGAGGACAGCGGCAAATACACCTGC[C>T]GCGTGTCGAACCGCGCGGGCGCCATCAACGCCACCTACAAGGTGGATGTGATCCGTGAGT-3'
Protein context (NP_001004356.1, residues 212-232): RPEDSGKYTC[Arg222Cys]VSNRAGAINA